The following is an entry in ClinVar:

NM_014112.5(TRPS1):c.2542GCC[1] (p.Ala849del)

Gene: TRPS1 (transcriptional repressor GATA binding 1; minus strand). Cytogenetic location: 8q23.3.
Variant type: Microsatellite.
Coding change: c.2542GCC[1] on transcript NM_014112.5 (MANE Select); one copy of the 3-base unit GCC starting at c.2542; the reference has two copies in a row; one copy, 3 bases deleted.
Protein change: p.Ala849del; deletes alanine 849.
Molecular consequence: inframe deletion.
Genome position (GRCh38, 1-based): chr8:115,587,154-115,587,156, GGC deleted on the plus strand (GCC on the coding strand, the reverse complement: TRPS1 is on the minus strand); deleting any 3 consecutive bases within chr8:115,587,154-115,587,159 gives the same sequence; the position shown is the placement nearest the transcript's 3' end. VCF-style (leftmost placement, unchanged base first): chr8-115587153-GGGC-G. GRCh37 (hg19) VCF-style: chr8-116599380-GGGC-G.
Other names: c.2515GCC[1], p.Ala840del (NM_001282902.3); c.2521GCC[1], p.Ala842del (NM_001282903.3); c.2503GCC[1], p.Ala836del (NM_001330599.2); short protein forms A842del, A836del, A840del, A849del.
Identifiers: ClinVar variation 5002836 (VCV005002836.1).
Genomic context (GRCh38, chr8:115,587,153, plus strand): 5'-GCGCCCCCTGCAGGAATCCCTTGGTTTCCACAGCCAAGCCATAAATAGGTCGCGCCAGAT[GGGC>G]GGCCTCCACATTGGGACTATCCCTTAGAGTCTTTGTCTGCTCTTGGGTGCCAGACACAGG-3'

ClinVar aggregate classification (germline): Uncertain significance (1 of 4 stars; one submission).

Conditions:
Trichorhinophalangeal dysplasia type I (TRPS1). Also called: TRPS I; TRICHORHINOPHALANGEAL SYNDROME, TYPE I. Identifiers: Orphanet 77258, MedGen C0432233, MONDO:0008596, OMIM 190350.

Submission:

OLLIN Analises Genomicas, OLLIN
Classification: Uncertain significance for Trichorhinophalangeal dysplasia type I. Last evaluated: 2026-08-06. Review status: criteria provided, single submitter. Criteria: ACMG Guidelines 2015 PMID 25741868. Collection method: clinical testing. Allele origin: germline. Inheritance: Autosomal dominant inheritance.
Comment: This in-frame deletion, located in exon 5 (of 7), has been observed in gnomAD with an allele frequency of 0.000062%, but has not been reported in ClinVar or identified in the literature. This variant removes 1 amino acid, preserving the reading frame and leading to a reduced protein length. According to the currently available evidence, this variant has been classified as uncertain significance (PM4).